The following is an entry in ClinVar:

ClinVar aggregate classification (germline): Uncertain significance (1 of 4 stars; one submission).

Conditions:
Hereditary cancer-predisposing syndrome. Also called: Neoplastic Syndromes, Hereditary; Tumor predisposition; Hereditary Cancer Syndrome; Hereditary neoplastic syndrome. Identifiers: Orphanet 140162, MedGen C0027672, MeSH D009386, MONDO:0015356.

Submission:

Ambry Genetics
Classification: Uncertain significance for Hereditary cancer-predisposing syndrome. Last evaluated: 2014-10-16. Review status: criteria provided, single submitter. Criteria: Ambry Variant Classification Scheme 2023. Collection method: clinical testing. Allele origin: germline.
Comment: The p.N342K variant (also known as c.1026C>G), located in coding exon 4 of the PALB2 gene, results from a C to G substitution at nucleotide position 1026. The asparagine at codon 342 is replaced by lysine, an amino acid with similar properties. This variant was not reported in population based cohorts in the following databases: Database of Single Nucleotide Polymorphisms (dbSNP), NHLBI Exome Sequencing Project (ESP), and 1000 Genomes Project. In the ESP, this variant was not observed in 6497 samples (12994 alleles) with coverage at this position. To date, this alteration has been detected with an allele frequency of approximately 0.004% (greater than 23000 alleles tested) in our clinical cohort. This amino acid position is not well conserved in available vertebrate species. In addition, this alteration is predicted to be benign but deleterious by PolyPhen and SIFT in silico analyses, respectively. Since supporting evidence is limited at this time, the clinical significance of p.N342K remains unclear.

NM_024675.4(PALB2):c.1026C>G (p.Asn342Lys)

Gene: PALB2 (partner and localizer of BRCA2; minus strand). Cytogenetic location: 16p12.2.
Variant type: single nucleotide variant.
Coding change: c.1026C>G on transcript NM_024675.4 (MANE Select); coding-DNA position 1026, C replaced by G.
Protein change: p.Asn342Lys; replaces asparagine 342 with lysine.
Molecular consequence: missense variant.
Genome position (GRCh38, 1-based): chr16:23,635,520, G>C on the plus strand (C>G on the coding strand, the complement: PALB2 is on the minus strand). VCF-style: chr16-23635520-G-C. GRCh37 (hg19) VCF-style: chr16-23646841-G-C.
Other names: short protein forms N342K.
Identifiers: ClinVar variation 186776 (VCV000186776.5), dbSNP rs786203211, ClinGen allele CA195839.
Genomic context (GRCh38, chr16:23,635,520, plus strand): 5'-AAGAGTGTCACTGGGAGATTTTAAAGATTTCTCTGTTTGATTTTGTTCTTTTAAGTTTTG[G>C]TTTTCATTTGCTGGTAAGTTATTGTAGGTGAGTTCATTTAGAGAACATGAAATATTTGCC-3'
Protein context (NP_078951.2, residues 332-352): LTYNNLPANE[Asn342Lys]QNLKEQNQTE